The following is an entry in ClinVar:

NM_001031689.3(PLAA):c.596_597inv (p.Ile199Lys)

Gene: PLAA (phospholipase A2 activating protein; minus strand). Cytogenetic location: 9p21.2.
Variant type: Inversion.
Coding change: c.596_597inv on transcript NM_001031689.3 (MANE Select).
Protein change: p.Ile199Lys; replaces isoleucine 199 with lysine.
Molecular consequence: missense variant.
Genome position: GRCh38 VCF-style: chr9-26926529-AA-TT. GRCh37 (hg19) VCF-style: chr9-26926527-AA-TT.
Other names: c.596_597inv, p.Ile199Lys (NM_001321546.2); short protein forms I199K.
Identifiers: ClinVar variation 2130936 (VCV002130936.4), ClinGen allele CA2580080311.
Genomic context (GRCh38, chr9:26,926,529, plus strand): 5'-GATTTGCCACCTTCTAATACTAGCATCATTTGCACAGGAAAGAAATTCTGTTTCACTCAA[AA>TT]TTGCCAAACCTCTTACACAGTCTTCATGCCCTGCATTAAAAAACAATAATGCAAATCAAT-3'
Protein context (NP_001026859.1, residues 189-209): GHEDCVRGLA[Ile199Lys]LSETEFLSCA

ClinVar aggregate classification (germline): Uncertain significance (1 of 4 stars; one submission).

Submission:

Labcorp Genetics (formerly Invitae), Labcorp
Classification: Uncertain significance. Last evaluated: 2022-04-26. Review status: criteria provided, single submitter. Criteria: Invitae Variant Classification Sherloc (09022015). Collection method: clinical testing. Allele origin: germline.
Comment: This variant has not been reported in the literature in individuals affected with PLAA-related conditions. In summary, the available evidence is currently insufficient to determine the role of this variant in disease. Therefore, it has been classified as a Variant of Uncertain Significance. Algorithms developed to predict the effect of missense changes on protein structure and function are either unavailable or do not agree on the potential impact of this missense change (SIFT: "Not Available"; PolyPhen-2: "Benign"; Align-GVGD: "Not Available"). Information on the frequency of this variant in the gnomAD database is not available, as this variant may be reported differently in the database. This sequence change replaces isoleucine, which is neutral and non-polar, with lysine, which is basic and polar, at codon 199 of the PLAA protein (p.Ile199Lys).